The following is an entry in ClinVar:

ClinVar aggregate classification (germline): Uncertain significance (1 of 4 stars; one submission).

Submission:

Labcorp Genetics (formerly Invitae), Labcorp
Classification: Uncertain significance. Last evaluated: 2024-08-28. Review status: criteria provided, single submitter. Criteria: Invitae Variant Classification Sherloc (09022015). Collection method: clinical testing. Allele origin: germline.
Comment: This sequence change creates a premature translational stop signal (p.Leu12Cysfs*3) in the CLCC1 gene. It is expected to result in an absent or disrupted protein product. However, the current clinical and genetic evidence is not sufficient to establish whether loss-of-function variants in CLCC1 cause disease. This variant is present in population databases (rs756116512, gnomAD 0.01%). This variant has not been reported in the literature in individuals affected with CLCC1-related conditions. ClinVar contains an entry for this variant (Variation ID: 1525738). In summary, the available evidence is currently insufficient to determine the role of this variant in disease. Therefore, it has been classified as a Variant of Uncertain Significance.

NM_001377458.1(CLCC1):c.35del (p.Leu12fs)

Gene: CLCC1 (chloride channel CLIC like 1; minus strand). Cytogenetic location: 1p13.3.
Variant type: Deletion.
Coding change: c.35del on transcript NM_001377458.1 (MANE Select); coding-DNA position 35, one base deleted (T; older notation c.35delT).
Protein change: p.Leu12fs; shifts the reading frame from leucine 12.
Molecular consequence: frameshift variant. On other transcripts: 5 prime UTR variant (1), non-coding transcript variant (1).
Genome position (GRCh38, 1-based): chr1:108,950,403, A deleted on the plus strand (T on the coding strand, the reverse complement: CLCC1 is on the minus strand); the first of 2 consecutive A bases (chr1:108,950,403-108,950,404); deleting either gives the same sequence. VCF-style (leftmost placement, unchanged base first): chr1-108950402-CA-C. GRCh37 (hg19) VCF-style: chr1-109493024-CA-C.
Other names: c.35del, p.Leu12fs (NM_001048210.3, NM_001278202.2, NM_001278203.1 and 12 more transcripts); c.-428del (NM_001377470.1); short protein forms L12fs.
Identifiers: ClinVar variation 1525738 (VCV001525738.6), dbSNP rs756116512, ClinGen allele CA983692.